The following is an entry in ClinVar:

NM_024334.3(TMEM43):c.584G>A (p.Gly195Asp)

Gene: TMEM43 (transmembrane protein 43; plus strand). Cytogenetic location: 3p25.1.
Variant type: single nucleotide variant.
Coding change: c.584G>A on transcript NM_024334.3 (MANE Select); coding-DNA position 584, G replaced by A.
Protein change: p.Gly195Asp; replaces glycine 195 with aspartic acid.
Molecular consequence: missense variant.
Genome position (GRCh38, 1-based): chr3:14,134,770, G>A. VCF-style: chr3-14134770-G-A. GRCh37 (hg19) VCF-style: chr3-14176270-G-A.
Other names: short protein forms G195D.
Identifiers: ClinVar variation 1332243 (VCV001332243.2), dbSNP rs1458517961, ClinGen allele CA351535424.

ClinVar aggregate classification (germline): Uncertain significance (1 of 4 stars; one submission).

Conditions:
Cardiomyopathy (CMYO). Also called: Cardiomyopathies. Identifiers: Orphanet 167848, MedGen C0878544, MONDO:0004994, HP:0001638. Inheritance: Various modes of inheritance.

Submission:

Color Diagnostics, LLC DBA Color Health
Classification: Uncertain significance for Cardiomyopathy. Last evaluated: 2021-04-05. Review status: criteria provided, single submitter. Criteria: ACMG Guidelines, 2015. Collection method: clinical testing. Allele origin: germline.
Comment: This missense variant replaces glycine with aspartic acid at codon 195 of the TMEM43 protein. Computational prediction suggests that this variant may not impact protein structure and function (internally defined REVEL score threshold <= 0.5, PMID: 27666373). To our knowledge, functional studies have not been reported for this variant. This variant has not been reported in individuals affected with cardiovascular disorders in the literature. This variant has not been identified in the general population by the Genome Aggregation Database (gnomAD). The available evidence is insufficient to determine the role of this variant in disease conclusively. Therefore, this variant is classified as a Variant of Uncertain Significance.